The following is an entry in ClinVar:

NM_174936.4(PCSK9):c.522C>G (p.Pro174=)

Gene: PCSK9 (proprotein convertase subtilisin/kexin type 9; plus strand). Cytogenetic location: 1p32.3.
Variant type: single nucleotide variant.
Coding change: c.522C>G on transcript NM_174936.4 (MANE Select); coding-DNA position 522, C replaced by G.
Protein change: p.Pro174=; no amino-acid change (proline 174 retained).
Molecular consequence: synonymous variant. On other transcripts: non-coding transcript variant (6).
Genome position (GRCh38, 1-based): chr1:55,046,645, C>G. VCF-style: chr1-55046645-C-G. GRCh37 (hg19) VCF-style: chr1-55512318-C-G.
Other names: c.645C>G, p.Pro215= (NM_001407240.1); c.522C>G, p.Pro174= (NM_001407241.1, NM_001407242.1, NM_001407244.1 and 1 more transcripts); c.465C>G, p.Pro155= (NM_001407243.1); c.330C>G, p.Pro110= (NM_001407245.1); c.147C>G, p.Pro49= (NM_001407246.1).
Identifiers: ClinVar variation 2568394 (VCV002568394.4), dbSNP rs373018373, ClinGen allele CA042681.

ClinVar aggregate classification (germline): Likely benign. Review status: criteria provided, multiple submitters, no conflicts (2 of 4 stars). 3 submissions from 3 submitters: Likely benign (3). Last evaluated 2024-06-19.

Conditions:
Familial hypercholesterolemia. Also called: Familial hypercholesterolemias; Familial hypercholesterolaemia. Identifiers: MedGen C0020445, MONDO:0005439.
Cardiovascular phenotype. Identifiers: MedGen CN230736.

Submissions (3):

GENinCode PLC
Classification: Likely benign for Familial hypercholesterolemia. Last evaluated: 2024-06-19. Review status: criteria provided, single submitter. Criteria: ACMG Guidelines, 2015. Collection method: clinical testing. Allele origin: germline.
Comment: This is a synonymous (silent) variant that is not predicted by SpliceAI to impact splicing. In addition, it occurs at a nucleotide that is not conserved. Therefore this variant has been classified as Likely Benign (BP4, BP7).

Ambry Genetics
Classification: Likely benign for Cardiovascular phenotype. Last evaluated: 2023-05-30. Review status: criteria provided, single submitter. Criteria: Ambry Variant Classification Scheme 2023. Collection method: clinical testing. Allele origin: germline.

Blueprint Genetics
Classification: Likely benign. Last evaluated: 2022-01-28. Review status: criteria provided, single submitter. Criteria: ACMG Guidelines, 2015. Collection method: clinical testing. Allele origin: germline.